The following is an entry in ClinVar:

NM_004408.4(DNM1):c.584C>T (p.Pro195Leu)

Genes: DNM1 (dynamin 1; plus strand), LOC113839516 (Sharpr-MPRA regulatory region 8497; plus strand). Cytogenetic location: 9q34.11.
Variant type: single nucleotide variant.
Coding change: c.584C>T on transcript NM_004408.4 (MANE Select); coding-DNA position 584, C replaced by T.
Protein change: p.Pro195Leu; replaces proline 195 with leucine.
Molecular consequence: missense variant.
Genome position (GRCh38, 1-based): chr9:128,219,247, C>T. VCF-style: chr9-128219247-C-T. GRCh37 (hg19) VCF-style: chr9-130981526-C-T.
Other names: c.584C>T, p.Pro195Leu (NM_001005336.3, NM_001288737.2, NM_001288738.2 and 2 more transcripts); short protein forms P195L.
Identifiers: ClinVar variation 1053811 (VCV001053811.10), dbSNP rs780514615, ClinGen allele CA5257827.

ClinVar aggregate classification (germline): Uncertain significance. Review status: criteria provided, multiple submitters, no conflicts (2 of 4 stars). 2 submissions from 2 submitters: Uncertain significance (2). Last evaluated 2024-01-21.

Conditions:
Developmental and epileptic encephalopathy, 31A. Also called: Developmental and epileptic encephalopathy, 31; Epileptic encephalopathy, early infantile, 31. Identifiers: Orphanet 2382, MedGen C4225357, MONDO:0014598, OMIM 616346.

Allele frequency attached by ClinVar (database versions not stated): gnomAD 0.00001; ExAC 0.00002; gnomAD exomes 0.00002 and 0.00003; TOPMed 0.00002.
gnomAD v4.1: 46 of 1,613,930 alleles (0.0029%); highest among the groups gnomAD compares: Non-Finnish European, 0.0037%; no homozygotes.

Submissions (2):

Labcorp Genetics (formerly Invitae), Labcorp
Classification: Uncertain significance for Developmental and epileptic encephalopathy, 31A. Last evaluated: 2024-01-21. Review status: criteria provided, single submitter. Criteria: Invitae Variant Classification Sherloc (09022015). Collection method: clinical testing. Allele origin: germline.
Comment: This sequence change replaces proline, which is neutral and non-polar, with leucine, which is neutral and non-polar, at codon 195 of the DNM1 protein (p.Pro195Leu). This variant is present in population databases (rs780514615, gnomAD 0.004%). This variant has not been reported in the literature in individuals affected with DNM1-related conditions. ClinVar contains an entry for this variant (Variation ID: 1053811). Advanced modeling of protein sequence and biophysical properties (such as structural, functional, and spatial information, amino acid conservation, physicochemical variation, residue mobility, and thermodynamic stability) performed at Invitae indicates that this missense variant is expected to disrupt DNM1 protein function with a positive predictive value of 80%. In summary, the available evidence is currently insufficient to determine the role of this variant in disease. Therefore, it has been classified as a Variant of Uncertain Significance.

UNC Molecular Genetics  Laboratory, University of North Carolina at Chapel Hill
Classification: Uncertain significance for Developmental and epileptic encephalopathy, 31A. Review status: criteria provided, single submitter. Criteria: ACMG Guidelines, 2015. Collection method: research. Allele origin: maternal. Observed: 1 variant allele. Study: CSER_NCGENES_2.
Comment: The DNM1 c.584C>T p.(Pro195Leu) is predicted to change a single amino acid from a highly conserved proline to leucine in the dynamin-type G domain. All previously reported pathogenic variants in this gene are missense and are thought to result in disease via a dominant-negative mechanism. The c.548C>T variant is observed in 5/250850 alleles (0.0019%) in gnomAD. Since the functional consequence of this variant is unknown, it is classified as a variant of uncertain significance.